The following is an entry in ClinVar:

NM_001142459.2(ASB10):c.872A>G (p.Asp291Gly)

Gene: ASB10 (ankyrin repeat and SOCS box containing 10; minus strand). Cytogenetic location: 7q36.1.
Variant type: single nucleotide variant.
Coding change: c.872A>G on transcript NM_001142459.2 (MANE Select); coding-DNA position 872, A replaced by G.
Protein change: p.Asp291Gly; replaces aspartic acid 291 with glycine.
Molecular consequence: missense variant.
Genome position (GRCh38, 1-based): chr7:151,181,171, T>C on the plus strand (A>G on the coding strand, the complement: ASB10 is on the minus strand). VCF-style: chr7-151181171-T-C. GRCh37 (hg19) VCF-style: chr7-150878258-T-C.
Other names: c.827A>G, p.Asp276Gly (NM_080871.4); c.872A>G, p.Asp291Gly (NM_001142460.1); short protein forms D276G, D291G.
Identifiers: ClinVar variation 1447085 (VCV001447085.6), dbSNP rs781304410, ClinGen allele CA4573742.

ClinVar aggregate classification (germline): Uncertain significance (1 of 4 stars; one submission).

Allele frequency attached by ClinVar (database versions not stated): TOPMed 0.00002; gnomAD 0.00003 and 0.00004; gnomAD exomes 0.00007 and 0.00008; ExAC 0.00008.
gnomAD v4.1: 124 of 1,611,138 alleles (0.0077%); highest among the groups gnomAD compares: Admixed American, 0.01%; no homozygotes.

Submission:

Labcorp Genetics (formerly Invitae), Labcorp
Classification: Uncertain significance. Last evaluated: 2022-03-09. Review status: criteria provided, single submitter. Criteria: Invitae Variant Classification Sherloc (09022015). Collection method: clinical testing. Allele origin: germline.
Comment: In summary, the available evidence is currently insufficient to determine the role of this variant in disease. Therefore, it has been classified as a Variant of Uncertain Significance. Algorithms developed to predict the effect of missense changes on protein structure and function are either unavailable or do not agree on the potential impact of this missense change (SIFT: "Deleterious"; PolyPhen-2: "Benign"; Align-GVGD: "Class C35"). This variant is also known as Asp276Gly. This missense change has been observed in individual(s) with primary open angle glaucoma (PMID: 22798626). This variant is present in population databases (rs781304410, gnomAD 0.01%). This sequence change replaces aspartic acid, which is acidic and polar, with glycine, which is neutral and non-polar, at codon 291 of the ASB10 protein (p.Asp291Gly).

Literature cited by the submitters: PubMed 22798626.